The following continues an entry in ClinVar:

NM_201253.3(CRB1):c.613_619del (p.Ile205fs)

Gene: CRB1. ClinVar aggregate classification (germline): Pathogenic. Pathogenic (15).

Submissions 14 to 20 of 20:

Mendelics
Classification: Pathogenic for Leber congenital amaurosis 1. Last evaluated: 2019-05-28. Review status: criteria provided, single submitter. Criteria: Mendelics Assertion Criteria 2017. Collection method: clinical testing. Allele origin: unknown.

CeGaT Center for Human Genetics Tuebingen
Classification: Pathogenic. Last evaluated: 2017-05-01. Review status: criteria provided, single submitter. Criteria: CeGaT Center For Human Genetics Tuebingen Variant Classification Criteria Version 2. Collection method: clinical testing. Allele origin: germline. Affected: yes. Observed: 1 variant allele.

Department of Clinical Genetics, Copenhagen University Hospital, Rigshospitalet
Classification: Likely pathogenic for Retinitis pigmentosa. Last evaluated: 2018-04-01. Review status: no assertion criteria provided. Collection method: research. Allele origin: unknown. Affected: yes. Study: VeluxRD. Not counted in ClinVar's aggregate classification.

Department of Clinical Genetics, Copenhagen University Hospital, Rigshospitalet
Classification: Likely pathogenic for Leber congenital amaurosis. Last evaluated: 2018-04-01. Review status: no assertion criteria provided. Collection method: research. Allele origin: unknown. Affected: yes. Study: VeluxRD. Not counted in ClinVar's aggregate classification.

Laboratory of Genetics in Ophthalmology, Institut Imagine
Classification: Pathogenic for Leber congenital amaurosis 8. Review status: no assertion criteria provided. Collection method: research. Allele origin: inherited. Affected: yes. Observed: 2 variant alleles. Not counted in ClinVar's aggregate classification.

Retina International
No classification provided. Review status: no classification provided. Collection method: not provided. Allele origin: not provided. Not counted in ClinVar's aggregate classification.

Retina International
No classification provided. Review status: flagged submission. Collection method: not provided. Allele origin: unknown. Not counted in ClinVar's aggregate classification.
ClinVar note: Reason: This record appears to be redundant with a more recent record from the same submitter.
ClinVar note: Notes: SCV000118504 appears to be redundant with SCV000118505.

Literature cited by the submitters: PubMed 26626312 (cited by Natera, Inc.); PubMed 10508521 (cited by Labcorp Genetics (formerly Invitae), Labcorp); PubMed 22065545 (cited by Labcorp Genetics (formerly Invitae), Labcorp); PubMed 23379534 (cited by 3 submitters); PubMed 25412400 (cited by 3 submitters); PubMed 26957898 (cited by Labcorp Genetics (formerly Invitae), Labcorp); PubMed 28041643 (cited by Labcorp Genetics (formerly Invitae), Labcorp); PubMed 29391521 (cited by Labcorp Genetics (formerly Invitae), Labcorp); PubMed 11231775 (cited by 4 submitters); PubMed 29178642 (cited by 3 submitters); PubMed 28800606 (cited by Ocular Genomics Institute, Massachusetts Eye and Ear and Broad Center for Mendelian Genomics, Broad Institute of MIT and Harvard); PubMed 34906470 (cited by Broad Center for Mendelian Genomics, Broad Institute of MIT and Harvard); PubMed 30718709 (cited by Department of Clinical Genetics, Copenhagen University Hospital, Rigshospitalet).